The following is an entry in ClinVar:

NM_152703.5(SAMD9L):c.441T>G (p.Asn147Lys)

Gene: SAMD9L (sterile alpha motif domain containing 9 like; minus strand). Cytogenetic location: 7q21.2.
Variant type: single nucleotide variant.
Coding change: c.441T>G on transcript NM_152703.5 (MANE Select); coding-DNA position 441, T replaced by G.
Protein change: p.Asn147Lys; replaces asparagine 147 with lysine.
Molecular consequence: missense variant.
Genome position (GRCh38, 1-based): chr7:93,135,531, A>C on the plus strand (T>G on the coding strand, the complement: SAMD9L is on the minus strand). VCF-style: chr7-93135531-A-C. GRCh37 (hg19) VCF-style: chr7-92764844-A-C.
Other names: c.441T>G, p.Asn147Lys (NM_001303496.3, NM_001303497.3, NM_001303498.3 and 5 more transcripts); short protein forms N147K.
Identifiers: ClinVar variation 4863898 (VCV004863898.1).

ClinVar aggregate classification (germline): Uncertain significance (1 of 4 stars; one submission).

Conditions:
Inborn genetic diseases. Identifiers: MedGen C0950123, MeSH D030342.

gnomAD v4.1: 4 of 1,614,016 alleles (0.00025%); highest among the groups gnomAD compares: East Asian, 0.0089%; no homozygotes.

Submission:

Ambry Genetics
Classification: Uncertain significance for Inborn genetic diseases. Last evaluated: 2026-03-15. Review status: criteria provided, single submitter. Criteria: Ambry Variant Classification Scheme 2023. Collection method: clinical testing. Allele origin: germline.
Comment: The p.N147K variant (also known as c.441T>G), located in coding exon 1 of the SAMD9L gene, results from a T to G substitution at nucleotide position 441. The asparagine at codon 147 is replaced by lysine, an amino acid with similar properties. This amino acid position is conserved. In addition, this alteration is predicted to be tolerated by in silico analysis. Based on the available evidence, the clinical significance of this variant remains unclear.